The following is an entry in ClinVar:

NM_005199.5(CHRNG):c.292_300dup (p.Leu100_Arg101insTrpValLeu)

Gene: CHRNG (cholinergic receptor nicotinic gamma subunit; plus strand). Cytogenetic location: 2q37.1.
Variant type: Duplication.
Coding change: c.292_300dup on transcript NM_005199.5 (MANE Select); coding-DNA positions 292 to 300, 9 bases duplicated (TGGGTGCTG; older notation c.292_300dupTGGGTGCTG).
Protein change: p.Leu100_Arg101insTrpValLeu.
Molecular consequence: inframe insertion.
Genome position (GRCh38, 1-based): chr2:232,540,653-232,540,661, TGGGTGCTG duplicated; duplicating any 9 consecutive bases within chr2:232,540,650-232,540,661 gives the same sequence; the c. name uses the placement nearest the transcript's 3' end. VCF-style (leftmost placement, unchanged base first): chr2-232540649-C-CCTGTGGGTG. GRCh37 (hg19) VCF-style: chr2-233405359-C-CCTGTGGGTG.
Identifiers: ClinVar variation 1804084 (VCV001804084.4), dbSNP rs1404744271, ClinGen allele CA540002496.
Genomic context (GRCh38, chr2:232,540,649, plus strand): 5'-CCTCCCCCTGCAGCAGTGGTGCGACTATCGCCTGCGCTGGGATCCGCGAGACTACGAAGG[C>CCTGTGGGTG]CTGTGGGTGCTGAGGGTGCCGTCCACCATGGTGTGGCGGCCGGATATCGTGCTGGAGAAC-3'

ClinVar aggregate classification (germline): Likely pathogenic. Review status: criteria provided, multiple submitters, no conflicts (2 of 4 stars). 2 submissions from 2 submitters: Likely pathogenic (2). Last evaluated 2023-07-14.

Conditions:
Autosomal recessive multiple pterygium syndrome. Also called: MULTIPLE PTERYGIUM SYNDROME, ESCOBAR VARIANT; PTERYGIUM COLLI SYNDROME; PTERYGIUM SYNDROME; PTERYGIUM UNIVERSALE. Identifiers: Orphanet 2990, MedGen C0265261, MONDO:0009926, OMIM 265000.

Submissions (2):

Labcorp Genetics (formerly Invitae), Labcorp
Classification: Likely pathogenic. Last evaluated: 2023-07-14. Review status: criteria provided, single submitter. Criteria: Invitae Variant Classification Sherloc (09022015). Collection method: clinical testing. Allele origin: germline.
Comment: This variant, c.292_300dup, results in the insertion of 3 amino acid(s) of the CHRNG protein (p.Trp98_Leu100dup), but otherwise preserves the integrity of the reading frame. This variant is present in population databases (no rsID available, gnomAD 0.0009%). In summary, the currently available evidence indicates that the variant is pathogenic, but additional data are needed to prove that conclusively. Therefore, this variant has been classified as Likely Pathogenic. ClinVar contains an entry for this variant (Variation ID: 1804084). This variant is also known as 300dup(9), 78dup(3), p.98dup(3)WVL. This variant has been observed in individual(s) with Escobar syndrome and/or multiple pterygium syndrome (PMID: 16826520, 30868735, 34440395). In at least one individual the data is consistent with being in trans (on the opposite chromosome) from a pathogenic variant.

Institute of Human Genetics Munich, TUM University Hospital
Classification: Likely pathogenic for Autosomal recessive multiple pterygium syndrome. Last evaluated: 2021-09-16. Review status: criteria provided, single submitter. Criteria: Classification criteria August 2017. Collection method: clinical testing. Allele origin: maternal. Inheritance: Autosomal recessive inheritance. Affected: yes. Observed: 1 variant allele.

Literature cited by the submitters: PubMed 16826520 (cited by Labcorp Genetics (formerly Invitae), Labcorp); PubMed 30868735 (cited by Labcorp Genetics (formerly Invitae), Labcorp); PubMed 34440395 (cited by Labcorp Genetics (formerly Invitae), Labcorp).